The following is an entry in ClinVar:

NM_001122630.2(CDKN1C):c.516_545dup (p.Pro183_Val184insAlaProAlaProAlaProAlaProAlaPro)

Gene: CDKN1C (cyclin dependent kinase inhibitor 1C; minus strand). Cytogenetic location: 11p15.4.
Variant type: Duplication.
Coding change: c.516_545dup on transcript NM_001122630.2 (MANE Select); coding-DNA positions 516 to 545, 30 bases duplicated (CCCGGCTCCGGCTCCGGCTCCGGCCCCGGC).
Protein change: p.Pro183_Val184insAlaProAlaProAlaProAlaProAlaPro.
Molecular consequence: inframe insertion. On other transcripts: intron variant (1).
Genome position (GRCh38, 1-based): chr11:2,884,912-2,884,941, GCCGGGGCCGGAGCCGGAGCCGGAGCCGGG duplicated on the plus strand (CCCGGCTCCGGCTCCGGCTCCGGCCCCGGC on the coding strand, the reverse complement: CDKN1C is on the minus strand); duplicating any 30 consecutive bases within chr11:2,884,912-2,884,952 gives the same sequence; the c. name uses the placement nearest the transcript's 3' end. VCF-style (leftmost placement, unchanged base first): chr11-2884911-A-AGCCGGGGCCGGAGCCGGAGCCGGAGCCGGG. GRCh37 (hg19) VCF-style: chr11-2906141-A-AGCCGGGGCCGGAGCCGGAGCCGGAGCCGGG.
Other names: c.549_578dup, p.Pro194_Val195insAlaProAlaProAlaProAlaProAlaPro (NM_000076.2, NM_001362474.2); c.516_545dup, p.Pro183_Val184insAlaProAlaProAlaProAlaProAlaPro (NM_001122631.2); c.255+261_255+290dup (NM_001362475.2).
Identifiers: ClinVar variation 1975100 (VCV001975100.5), dbSNP rs1848940267, ClinGen allele CA2580082665.

ClinVar aggregate classification (germline): Uncertain significance (1 of 4 stars; one submission).

Conditions:
Beckwith-Wiedemann syndrome (BWS). Also called: Exomphalos macroglossia gigantism syndrome; EMG SYNDROME. Identifiers: Orphanet 116, MedGen C0004903, MONDO:0007534, OMIM 130650.

Submission:

Labcorp Genetics (formerly Invitae), Labcorp
Classification: Uncertain significance for Beckwith-Wiedemann syndrome. Last evaluated: 2022-08-25. Review status: criteria provided, single submitter. Criteria: Invitae Variant Classification Sherloc (09022015). Collection method: clinical testing. Allele origin: germline.
Comment: In summary, the available evidence is currently insufficient to determine the role of this variant in disease. Therefore, it has been classified as a Variant of Uncertain Significance. This variant has not been reported in the literature in individuals affected with CDKN1C-related conditions. The frequency data for this variant in the population databases is considered unreliable, as metrics indicate insufficient coverage at this position in the gnomAD database. This variant, c.549_578dup, results in the insertion of 10 amino acid(s) of the CDKN1C protein (p.Ala185_Pro194dup), but otherwise preserves the integrity of the reading frame.